The following is an entry in ClinVar:

ClinVar aggregate classification (germline): Likely pathogenic (1 of 4 stars; one submission).

Conditions:
Hereditary cancer-predisposing syndrome. Also called: Tumor predisposition; Hereditary Cancer Syndrome; Neoplastic Syndromes, Hereditary; Hereditary neoplastic syndrome. Identifiers: Orphanet 140162, MedGen C0027672, MeSH D009386, MONDO:0015356.

Submission:

Ambry Genetics
Classification: Likely pathogenic for Hereditary cancer-predisposing syndrome. Last evaluated: 2019-09-03. Review status: criteria provided, single submitter. Criteria: Ambry Variant Classification Scheme 2023. Collection method: clinical testing. Allele origin: germline.
Comment: The c.278_280delTTA variant (also known as p.I93del) is located in coding exon 3 of the FH gene. This variant results from an in-frame TTA deletion at nucleotide positions 278 to 280. This results in the in-frame deletion of an isoleucine at codon 93. This alteration has been observed in at least one individual who has a personal or family history that is consistent with FH-associated disease (Ambry internal data). Based on internal structural analysis, this variant is more disruptive than nearby known pathogenic variants (Ajalla Aleixo MA et al. FEBS J., 2019 May;286:1925-1940; Ambry internal data). These nucleotide positions are well conserved in available vertebrate species. In addition, this alteration is predicted to be deleterious by in silico analysis (Choi Y et al. PLoS ONE. 2012; 7(10):e46688). Based on the majority of available evidence to date, this variant is likely to be pathogenic.

Literature cited by the submitters: PubMed 30761759.

NM_000143.4(FH):c.275TTA[1] (p.Ile93del)

Gene: FH (fumarate hydratase; minus strand). Cytogenetic location: 1q43.
Variant type: Microsatellite.
Coding change: c.275TTA[1] on transcript NM_000143.4 (MANE Select); one copy of the 3-base unit TTA starting at c.275; the reference has two copies in a row; one copy, 3 bases deleted.
Protein change: p.Ile93del; deletes isoleucine 93.
Molecular consequence: inframe deletion.
Genome position (GRCh38, 1-based): chr1:241,513,701-241,513,703, TAA deleted on the plus strand (TTA on the coding strand, the reverse complement: FH is on the minus strand); deleting any 3 consecutive bases within chr1:241,513,701-241,513,706 gives the same sequence; the position shown is the placement nearest the transcript's 3' end. VCF-style (leftmost placement, unchanged base first): chr1-241513700-TTAA-T. GRCh37 (hg19) VCF-style: chr1-241677000-TTAA-T.
Other names: short protein forms I93del.
Identifiers: ClinVar variation 821801 (VCV000821801.4), dbSNP rs1573886490, ClinGen allele CA915942113.